The following is an entry in ClinVar:

ClinVar aggregate classification (germline): Pathogenic (1 of 4 stars; one submission).

Submission:

Labcorp Genetics (formerly Invitae), Labcorp
Classification: Pathogenic. Last evaluated: 2020-11-10. Review status: criteria provided, single submitter. Criteria: Invitae Variant Classification Sherloc (09022015). Collection method: clinical testing. Allele origin: germline.
Comment: This sequence change creates a premature translational stop signal (p.Glu1323Thrfs*9) in the ABCC8 gene. It is expected to result in an absent or disrupted protein product. Loss-of-function variants in ABCC8 are known to be pathogenic (PMID: 20685672, 23345197). This variant is not present in population databases (ExAC no frequency). This variant has not been reported in the literature in individuals with ABCC8-related conditions. For these reasons, this variant has been classified as Pathogenic.

Literature cited by the submitters: PubMed 20685672; PubMed 23345197.

NM_000352.6(ABCC8):c.3966_3972del (p.Glu1323fs)

Gene: ABCC8 (ATP binding cassette subfamily C member 8; minus strand). Cytogenetic location: 11p15.1.
Variant type: Deletion.
Coding change: c.3966_3972del on transcript NM_000352.6 (MANE Select); coding-DNA positions 3966 to 3972, 7 bases deleted (AGAGAGC; older notation c.3966_3972delAGAGAGC).
Protein change: p.Glu1323fs; shifts the reading frame from glutamic acid 1323.
Molecular consequence: frameshift variant. On other transcripts: non-coding transcript variant (1).
Genome position (GRCh38, 1-based): chr11:17,397,209-17,397,215, GCTCTCT deleted on the plus strand (AGAGAGC on the coding strand, the reverse complement: ABCC8 is on the minus strand); deleting any 7 consecutive bases within chr11:17,397,209-17,397,217 gives the same sequence; the c. name uses the placement nearest the transcript's 3' end. VCF-style (leftmost placement, unchanged base first): chr11-17397208-AGCTCTCT-A. GRCh37 (hg19) VCF-style: chr11-17418755-AGCTCTCT-A.
Other names: c.3969_3975del, p.Glu1324fs (NM_001287174.3); c.4032_4038del, p.Glu1345fs (NM_001351295.2); c.3966_3972del, p.Glu1323fs (NM_001351296.2); c.3963_3969del, p.Glu1322fs (NM_001351297.2); short protein forms E1322fs, E1324fs, E1323fs, E1345fs.
Identifiers: ClinVar variation 1443398 (VCV001443398.6), dbSNP rs2133408466, ClinGen allele CA2573146251.
Genomic context (GRCh38, chr11:17,397,208, plus strand): 5'-ACTCCTCCTTGGACTCTTCCCCACCCCTCTCCCTGAGCCTCTCACCCAGGAGCCCCTCGT[AGCTCTCT>A]GCCTCGGTTTTCAGGAGCCCATGGATGCGCTTCACAGCCCCCAGCTGGAGCTCCATGTCT-3'